The following is an entry in ClinVar:

NM_000368.5(TSC1):c.1288C>A (p.Pro430Thr)

Gene: TSC1 (TSC complex subunit 1; minus strand). Cytogenetic location: 9q34.13.
Variant type: single nucleotide variant.
Coding change: c.1288C>A on transcript NM_000368.5 (MANE Select); coding-DNA position 1288, C replaced by A.
Protein change: p.Pro430Thr; replaces proline 430 with threonine.
Molecular consequence: missense variant.
Genome position (GRCh38, 1-based): chr9:132,907,346, G>T on the plus strand (C>A on the coding strand, the complement: TSC1 is on the minus strand). VCF-style: chr9-132907346-G-T. GRCh37 (hg19) VCF-style: chr9-135782733-G-T.
Other names: c.1285C>A, p.Pro429Thr (NM_001162426.2, NM_001406597.1, NM_001406598.1 and 6 more transcripts); c.1135C>A, p.Pro379Thr (NM_001162427.2, NM_001406610.1); c.925C>A, p.Pro309Thr (NM_001362177.2, NM_001406616.1, NM_001406617.1 and 5 more transcripts); c.1288C>A, p.Pro430Thr (NM_001406592.1, NM_001406593.1, NM_001406594.1 and 7 more transcripts); c.922C>A, p.Pro308Thr (NM_001406620.1, NM_001406621.1, NM_001406622.1 and 2 more transcripts); c.337C>A, p.Pro113Thr (NM_001406626.1); c.334C>A, p.Pro112Thr (NM_001406627.1, NM_001406628.1); c.235C>A, p.Pro79Thr (NM_001406629.1, NM_001406630.1); and 1 more; short protein forms P308T, P379T, P429T, P112T, P309T, P430T, P378T, P113T.
Identifiers: ClinVar variation 2014504 (VCV002014504.4), dbSNP rs2131881700, ClinGen allele CA375366175.

ClinVar aggregate classification (germline): Uncertain significance (1 of 4 stars; one submission).

Conditions:
Tuberous sclerosis 1 (TSC1). Identifiers: Orphanet 805, MedGen C1854465, MONDO:0008612, OMIM 191100.

Submission:

Labcorp Genetics (formerly Invitae), Labcorp
Classification: Uncertain significance for Tuberous sclerosis 1. Last evaluated: 2022-07-06. Review status: criteria provided, single submitter. Criteria: Invitae Variant Classification Sherloc (09022015). Collection method: clinical testing. Allele origin: germline.
Comment: In summary, the available evidence is currently insufficient to determine the role of this variant in disease. Therefore, it has been classified as a Variant of Uncertain Significance. Algorithms developed to predict the effect of missense changes on protein structure and function are either unavailable or do not agree on the potential impact of this missense change (SIFT: "Deleterious"; PolyPhen-2: "Benign"; Align-GVGD: "Class C0"). This variant has not been reported in the literature in individuals affected with TSC1-related conditions. This variant is not present in population databases (gnomAD no frequency). This sequence change replaces proline, which is neutral and non-polar, with threonine, which is neutral and polar, at codon 430 of the TSC1 protein (p.Pro430Thr).